The following is an entry in ClinVar:

ClinVar aggregate classification (germline): Uncertain significance (1 of 4 stars; one submission).

Conditions:
Kleefstra syndrome 2 (KLEFS2). Identifiers: MedGen C4540395, MONDO:0054701, OMIM 617768.

gnomAD v4.1: 6 of 1,614,224 alleles (0.00037%); highest among the groups gnomAD compares: South Asian, 0.0044%; no homozygotes.

Submission:

Neuberg Centre For Genomic Medicine, NCGM
Classification: Uncertain significance for Kleefstra syndrome 2. Review status: criteria provided, single submitter. Criteria: ACMG Guidelines, 2015. Collection method: clinical testing. Allele origin: germline. Inheritance: Autosomal dominant inheritance. Affected: yes.
Comment: The missense c.13174C>Tp.Pro4392Ser variant in KMT2C gene has not been reported previously as a pathogenic variant nor as a benign variant, to our knowledge. The p.Pro4392Ser variant is novel not in any individuals in gnomAD Exomes and 1000 Genomes. This variant has not been reported to the ClinVar database. The amino acid change p.Pro4392Ser in KMT2C is predicted as conserved by GERP++ and PhyloP across 100 vertebrates. The amino acid Pro at position 4392 is changed to a Ser changing protein sequence and it might alter its composition and physico-chemical properties. For these reasons, this variant has been classified as Variant of Uncertain Significance VUS.

NM_170606.3(KMT2C):c.13174C>T (p.Pro4392Ser)

Gene: KMT2C (lysine methyltransferase 2C; minus strand). Cytogenetic location: 7q36.1.
Variant type: single nucleotide variant.
Coding change: c.13174C>T on transcript NM_170606.3 (MANE Select); coding-DNA position 13174, C replaced by T.
Protein change: p.Pro4392Ser; replaces proline 4392 with serine.
Molecular consequence: missense variant.
Genome position (GRCh38, 1-based): chr7:152,148,753, G>A on the plus strand (C>T on the coding strand, the complement: KMT2C is on the minus strand). VCF-style: chr7-152148753-G-A. GRCh37 (hg19) VCF-style: chr7-151845838-G-A.
Other names: short protein forms P4392S.
Identifiers: ClinVar variation 3234914 (VCV003234914.1), dbSNP rs2091367820, ClinGen allele CA370092932.
Genomic context (GRCh38, chr7:152,148,753, plus strand): 5'-ATCCATCACCTTCTTCATGACAAAAGCAACATTTCCGATAGTCTTTGGGCACAGGATCAG[G>A]TTTAAGGGAAGTGCCCAATTTCTTTAGAAATTCATCTATTTCATCCTCACAAGGTGGTTT-3'
Protein context (NP_733751.2, residues 4382-4402): FLKKLGTSLK[Pro4392Ser]DPVPKDYRKC